The following is an entry in ClinVar:

ClinVar aggregate classification (germline): Uncertain significance (1 of 4 stars; one submission).

Submission:

Labcorp Genetics (formerly Invitae), Labcorp
Classification: Uncertain significance. Last evaluated: 2021-12-12. Review status: criteria provided, single submitter. Criteria: Invitae Variant Classification Sherloc (09022015). Collection method: clinical testing. Allele origin: germline.
Comment: This sequence change replaces glycine, which is neutral and non-polar, with aspartic acid, which is acidic and polar, at codon 198 of the DEF6 protein (p.Gly198Asp). In summary, the available evidence is currently insufficient to determine the role of this variant in disease. Therefore, it has been classified as a Variant of Uncertain Significance. Algorithms developed to predict the effect of missense changes on protein structure and function (SIFT, PolyPhen-2, Align-GVGD) all suggest that this variant is likely to be tolerated. This variant has not been reported in the literature in individuals affected with DEF6-related conditions. This variant is present in population databases (no rsID available, gnomAD 0.003%).

NM_022047.4(DEF6):c.593G>A (p.Gly198Asp)

Gene: DEF6 (DEF6 guanine nucleotide exchange factor; plus strand). Cytogenetic location: 6p21.31.
Variant type: single nucleotide variant.
Coding change: c.593G>A on transcript NM_022047.4 (MANE Select); coding-DNA position 593, G replaced by A.
Protein change: p.Gly198Asp; replaces glycine 198 with aspartic acid.
Molecular consequence: missense variant.
Genome position (GRCh38, 1-based): chr6:35,312,471, G>A. VCF-style: chr6-35312471-G-A. GRCh37 (hg19) VCF-style: chr6-35280248-G-A.
Other names: short protein forms G198D.
Identifiers: ClinVar variation 2041040 (VCV002041040.4), dbSNP rs1281915838, ClinGen allele CA363763427.